The following is an entry in ClinVar:

NM_014339.7(IL17RA):c.1477C>G (p.Pro493Ala)

Gene: IL17RA (interleukin 17 receptor A; plus strand). Cytogenetic location: 22q11.1.
Variant type: single nucleotide variant.
Coding change: c.1477C>G on transcript NM_014339.7 (MANE Select); coding-DNA position 1477, C replaced by G.
Protein change: p.Pro493Ala; replaces proline 493 with alanine.
Molecular consequence: missense variant.
Genome position (GRCh38, 1-based): chr22:17,108,696, C>G. VCF-style: chr22-17108696-C-G. GRCh37 (hg19) VCF-style: chr22-17589586-C-G.
Other names: c.1375C>G, p.Pro459Ala (NM_001289905.2); short protein forms P493A, P459A.
Identifiers: ClinVar variation 1498156 (VCV001498156.8), dbSNP rs2123811523, ClinGen allele CA410217161.

ClinVar aggregate classification (germline): Uncertain significance (1 of 4 stars; one submission).

Conditions:
Immunodeficiency 51 (IMD51). Also called: CANDIDIASIS, FAMILIAL, 5. Identifiers: Orphanet 1334, MedGen C4310803, MONDO:0013500, OMIM 613953.

Submission:

Labcorp Genetics (formerly Invitae), Labcorp
Classification: Uncertain significance for Immunodeficiency 51. Last evaluated: 2020-12-13. Review status: criteria provided, single submitter. Criteria: Invitae Variant Classification Sherloc (09022015). Collection method: clinical testing. Allele origin: germline.
Comment: This sequence change replaces proline with alanine at codon 493 of the IL17RA protein (p.Pro493Ala). The proline residue is highly conserved and there is a small physicochemical difference between proline and alanine. This variant is not present in population databases (ExAC no frequency). This variant has not been reported in the literature in individuals with IL17RA-related conditions. Algorithms developed to predict the effect of missense changes on protein structure and function are either unavailable or do not agree on the potential impact of this missense change (SIFT: "Deleterious"; PolyPhen-2: "Probably Damaging"; Align-GVGD: "Class C0"). In summary, the available evidence is currently insufficient to determine the role of this variant in disease. Therefore, it has been classified as a Variant of Uncertain Significance.